The following is an entry in ClinVar:

ClinVar aggregate classification (germline): Uncertain significance (1 of 4 stars; one submission).

gnomAD v4.1: 6 of 1,614,018 alleles (0.00037%); highest among the groups gnomAD compares: East Asian, 0.013%; no homozygotes.

Submission:

Ambry Genetics
Classification: Uncertain significance. Last evaluated: 2025-04-06. Review status: criteria provided, single submitter. Criteria: Ambry Variant Classification Scheme 2023. Collection method: clinical testing. Allele origin: germline.
Comment: The p.N901K variant (also known as c.2703T>G), located in coding exon 1 of the TET2 gene, results from a T to G substitution at nucleotide position 2703. The asparagine at codon 901 is replaced by lysine, an amino acid with similar properties. This amino acid position is conserved. In addition, this alteration is predicted to be tolerated by in silico analysis. Based on the available evidence, the clinical significance of this variant remains unclear.

NM_001127208.3(TET2):c.2703T>G (p.Asn901Lys)

Genes: TET2 (tet methylcytosine dioxygenase 2; plus strand), TET2-AS1 (TET2 antisense RNA 1; minus strand). Cytogenetic location: 4q24.
Variant type: single nucleotide variant.
Coding change: c.2703T>G on transcript NM_001127208.3 (MANE Select); coding-DNA position 2703, T replaced by G.
Protein change: p.Asn901Lys; replaces asparagine 901 with lysine.
Molecular consequence: missense variant.
Genome position (GRCh38, 1-based): chr4:105,236,645, T>G. VCF-style: chr4-105236645-T-G. GRCh37 (hg19) VCF-style: chr4-106157802-T-G.
Other names: c.2703T>G, p.Asn901Lys (NM_017628.4); short protein forms N901K.
Identifiers: ClinVar variation 3967540 (VCV003967540.1).